The following is an entry in ClinVar:

ClinVar aggregate classification (germline): Uncertain significance (1 of 4 stars; one submission).

Conditions:
ABCC2-related disorder. Also called: ABCC2-related condition.

Submission:

PreventionGenetics, part of Exact Sciences
Classification: Uncertain significance for ABCC2-related condition. Last evaluated: 2025-02-11. Review status: criteria provided, single submitter. Criteria: ACMG Guidelines, 2015. Collection method: clinical testing. Allele origin: germline.
Comment: The ABCC2 c.2099C>G variant is predicted to result in the amino acid substitution p.Thr700Ser. To our knowledge, this variant has not been reported in the literature. This variant is reported in 0.00088% of alleles in individuals of European (Non-Finnish) descent in gnomAD. At this time, the clinical significance of this variant is uncertain due to the absence of conclusive functional and genetic evidence.

NM_000392.5(ABCC2):c.2099C>G (p.Thr700Ser)

Gene: ABCC2 (ATP binding cassette subfamily C member 2; plus strand). Cytogenetic location: 10q24.2.
Variant type: single nucleotide variant.
Coding change: c.2099C>G on transcript NM_000392.5 (MANE Select); coding-DNA position 2099, C replaced by G.
Protein change: p.Thr700Ser; replaces threonine 700 with serine.
Molecular consequence: missense variant.
Genome position (GRCh38, 1-based): chr10:99,817,312, C>G. VCF-style: chr10-99817312-C-G. GRCh37 (hg19) VCF-style: chr10-101577069-C-G.
Other names: short protein forms T700S.
Identifiers: ClinVar variation 5000827 (VCV005000827.1).
Genomic context (GRCh38, chr10:99,817,312, plus strand): 5'-CAACCCTGCGTTTCTGGAGGTGCAGCTGTAACATGATCTGATCCTTTTTCATCTAGGGCA[C>G]CACTGCCTATGTCCCACAGCAGTCCTGGATTCAGAATGGCACCATAAAGGACAACATCCT-3'
Protein context (NP_000383.2, residues 690-710): NVHGHITIKG[Thr700Ser]TAYVPQQSWI